The following is an entry in ClinVar:

NM_000093.5(COL5A1):c.4231-2A>G

Gene: COL5A1 (collagen type V alpha 1 chain; plus strand). Cytogenetic location: 9q34.3.
Variant type: single nucleotide variant.
Coding change: c.4231-2A>G on transcript NM_000093.5 (MANE Select); the canonical splice acceptor site of the intron before coding-DNA position 4231, A replaced by G.
Molecular consequence: splice acceptor variant.
Genome position (GRCh38, 1-based): chr9:134,818,654, A>G. VCF-style: chr9-134818654-A-G. GRCh37 (hg19) VCF-style: chr9-137710500-A-G.
Other names: c.4231-2A>G (NM_001278074.1).
Identifiers: ClinVar variation 2825903 (VCV002825903.3), dbSNP rs2490849576, ClinGen allele CA375457048.

ClinVar aggregate classification (germline): Likely pathogenic (1 of 4 stars; one submission).

Conditions:
Ehlers-Danlos syndrome, classic type, 1 (EDSCL1). Also called: EHLERS-DANLOS SYNDROME, GRAVIS TYPE; EHLERS-DANLOS SYNDROME, SEVERE CLASSIC TYPE; Ehlers-Danlos syndrome, type 1; Ehlers-Danlos Syndrome, Classic Type, COL5A1-Related; EDS I. Identifiers: MedGen C0268335, MONDO:0019567, OMIM 130000.

Submission:

Labcorp Genetics (formerly Invitae), Labcorp
Classification: Likely pathogenic for Ehlers-Danlos syndrome, classic type, 1. Last evaluated: 2023-01-02. Review status: criteria provided, single submitter. Criteria: Invitae Variant Classification Sherloc (09022015). Collection method: clinical testing. Allele origin: germline.
Comment: In summary, the currently available evidence indicates that the variant is pathogenic, but additional data are needed to prove that conclusively. Therefore, this variant has been classified as Likely Pathogenic. Algorithms developed to predict the effect of sequence changes on RNA splicing suggest that this variant may disrupt the consensus splice site. This variant has not been reported in the literature in individuals affected with COL5A1-related conditions. This variant is not present in population databases (gnomAD no frequency). This sequence change affects an acceptor splice site in intron 54 of the COL5A1 gene. It is expected to disrupt RNA splicing. Variants that disrupt the donor or acceptor splice site typically lead to a loss of protein function (PMID: 16199547), and loss-of-function variants in COL5A1 are known to be pathogenic (PMID: 23587214).

Literature cited by the submitters: PubMed 16199547; PubMed 23587214.